The following is an entry in ClinVar:

NM_000059.4(BRCA2):c.7274del (p.Asn2425fs)

Gene: BRCA2 (BRCA2 DNA repair associated; plus strand). Cytogenetic location: 13q13.1.
Variant type: Deletion.
Coding change: c.7274del on transcript NM_000059.4 (MANE Select); coding-DNA position 7274, one base deleted (A; older notation c.7274delA).
Protein change: p.Asn2425fs; shifts the reading frame from asparagine 2425.
Molecular consequence: frameshift variant.
Genome position (GRCh38, 1-based): chr13:32,355,127, A deleted; the last of 2 consecutive A bases (chr13:32,355,126-32,355,127); deleting either gives the same sequence. VCF-style (leftmost placement, unchanged base first): chr13-32355125-GA-G. GRCh37 (hg19) VCF-style: chr13-32929262-GA-G.
Other names: c.7274delA (NM_000059.3); short protein forms N2425fs.
Identifiers: ClinVar variation 633133 (VCV000633133.1), dbSNP rs1566241084, ClinGen allele CA913191193.
Genomic context (GRCh38, chr13:32,355,125, plus strand): 5'-AGTCTTTGTTCCACCTTTTAAAACTAAATCACATTTTCACAGAGTTGAACAGTGTGTTAG[GA>G]ATATTAACTTGGAGGAAAACAGACAAAAGCAAAACATTGATGGACATGGCTCTGATGATA-3'

ClinVar aggregate classification (germline): Likely pathogenic (1 of 4 stars; one submission).

Conditions:
Hereditary breast ovarian cancer syndrome. Also called: Hereditary breast and ovarian cancer; Hereditary breast and ovarian cancer syndrome (HBOC); Breast and ovarian cancer; Hereditary breast and ovarian cancer syndrome; BRCA1- and BRCA2-Associated Hereditary Breast and Ovarian Cancer; Hereditary breast and/or ovarian cancer syndrome. Identifiers: Orphanet 145, MedGen C0677776, MeSH D061325, MONDO:0003582. Disease mechanism: loss of function.

Submission:

Women's Health and Genetics/Laboratory Corporation of America, LabCorp
Classification: Likely pathogenic for Hereditary breast and ovarian cancer syndrome. Last evaluated: 2018-12-10. Review status: criteria provided, single submitter. Criteria: LabCorp Variant Classification Summary - May 2015. Collection method: clinical testing. Allele origin: germline.
Comment: Variant summary: BRCA2 c.7274delA (p.Asn2425IlefsX44) results in a premature termination codon, predicted to cause a truncation of the encoded protein or absence of the protein due to nonsense mediated decay, which are commonly known mechanisms for disease. Truncations downstream of this position have been classified as pathogenic by our laboratory (eg. c.7360delA (p.Ile2454fsX13), c.7379_7380insG (p.Asn2460fsX15), c.7419_7420delTG (p.Cys2473X)). The variant was absent in 246002 control chromosomes (gnomAD). To our knowledge, no occurrence of c.7274delA in individuals affected with Hereditary Breast and Ovarian Cancer and no experimental evidence demonstrating its impact on protein function have been reported. No clinical diagnostic laboratories have submitted clinical-significance assessments for this variant to ClinVar after 2014. Based on the evidence outlined above, the variant was classified as likely pathogenic.